The following is an entry in ClinVar:

ClinVar aggregate classification (germline): Uncertain significance (1 of 4 stars; one submission).

Conditions:
Charcot-Marie-Tooth disease axonal type 2O. Also called: CHARCOT-MARIE-TOOTH NEUROPATHY, AXONAL, TYPE 2O; CHARCOT-MARIE-TOOTH DISEASE, AXONAL, AUTOSOMAL DOMINANT, TYPE 2O; Charcot-Marie-Tooth Neuropathy Type 2O; Charcot-Marie-Tooth disease, axonal, type 20. Identifiers: Orphanet 284232, MedGen C3280220, MONDO:0013644, OMIM 614228.

Submission:

Labcorp Genetics (formerly Invitae), Labcorp
Classification: Uncertain significance for Charcot-Marie-Tooth disease axonal type 2O. Last evaluated: 2023-03-03. Review status: criteria provided, single submitter. Criteria: Invitae Variant Classification Sherloc (09022015). Collection method: clinical testing. Allele origin: germline.
Comment: This variant has not been reported in the literature in individuals affected with DYNC1H1-related conditions. This variant is not present in population databases (gnomAD no frequency). This sequence change replaces aspartic acid, which is acidic and polar, with asparagine, which is neutral and polar, at codon 932 of the DYNC1H1 protein (p.Asp932Asn). Advanced modeling of protein sequence and biophysical properties (such as structural, functional, and spatial information, amino acid conservation, physicochemical variation, residue mobility, and thermodynamic stability) performed at Invitae indicates that this missense variant is not expected to disrupt DYNC1H1 protein function. In summary, the available evidence is currently insufficient to determine the role of this variant in disease. Therefore, it has been classified as a Variant of Uncertain Significance.

NM_001376.5(DYNC1H1):c.2794G>A (p.Asp932Asn)

Gene: DYNC1H1 (dynein cytoplasmic 1 heavy chain 1; plus strand). Cytogenetic location: 14q32.31.
Variant type: single nucleotide variant.
Coding change: c.2794G>A on transcript NM_001376.5 (MANE Select); coding-DNA position 2794, G replaced by A.
Protein change: p.Asp932Asn; replaces aspartic acid 932 with asparagine.
Molecular consequence: missense variant.
Genome position (GRCh38, 1-based): chr14:101,988,778, G>A. VCF-style: chr14-101988778-G-A. GRCh37 (hg19) VCF-style: chr14-102455115-G-A.
Other names: short protein forms D932N.
Identifiers: ClinVar variation 2732505 (VCV002732505.3), dbSNP rs2503701848, ClinGen allele CA391028660.